The following is an entry in ClinVar:

ClinVar aggregate classification (germline): Uncertain significance. Review status: criteria provided, multiple submitters, no conflicts (2 of 4 stars). 2 submissions from 2 submitters: Uncertain significance (2). Last evaluated 2025-05-17.

Conditions:
TNC-related disorder. Also called: TNC-related condition.

gnomAD v4.1: 78 of 1,613,562 alleles (0.0048%); highest among the groups gnomAD compares: Non-Finnish European, 0.0063%; no homozygotes.

Submissions (2):

Ambry Genetics
Classification: Uncertain significance. Last evaluated: 2025-05-17. Review status: criteria provided, single submitter. Criteria: Ambry Variant Classification Scheme 2023. Collection method: clinical testing. Allele origin: germline.

PreventionGenetics, part of Exact Sciences
Classification: Uncertain significance for TNC-related condition. Last evaluated: 2025-04-19. Review status: criteria provided, single submitter. Criteria: ACMG Guidelines, 2015. Collection method: clinical testing. Allele origin: germline.
Comment: The TNC c.5713C>T variant is predicted to result in the amino acid substitution p.Leu1905Phe. To our knowledge, this variant has not been reported in the literature. This variant is reported in 0.0031% of alleles in individuals of European (Non-Finnish) descent in gnomAD. At this time, the clinical significance of this variant is uncertain due to the absence of conclusive functional and genetic evidence.

NM_002160.4(TNC):c.5713C>T (p.Leu1905Phe)

Gene: TNC (tenascin C; minus strand). Cytogenetic location: 9q33.1.
Variant type: single nucleotide variant.
Coding change: c.5713C>T on transcript NM_002160.4 (MANE Select); coding-DNA position 5713, C replaced by T.
Protein change: p.Leu1905Phe; replaces leucine 1905 with phenylalanine.
Molecular consequence: missense variant.
Genome position (GRCh38, 1-based): chr9:115,035,278, G>A on the plus strand (C>T on the coding strand, the complement: TNC is on the minus strand). VCF-style: chr9-115035278-G-A. GRCh37 (hg19) VCF-style: chr9-117797557-G-A.
Other names: c.5167C>T, p.Leu1723Phe (NM_001410991.1); short protein forms L1905F, L1723F.
Identifiers: ClinVar variation 3971255 (VCV003971255.2).